The following is an entry in ClinVar:

ClinVar aggregate classification (germline): Benign/Likely benign. Review status: criteria provided, multiple submitters, no conflicts (2 of 4 stars). 6 submissions from 6 submitters: Benign (3); Likely benign (2). 1 of the submissions does not count toward it. Last evaluated 2026-02-02.

Conditions:
SZT2-related disorder. Also called: SZT2-related condition.
Inborn genetic diseases. Identifiers: MedGen C0950123, MeSH D030342.
Developmental and epileptic encephalopathy, 18 (DEE18). Also called: Early infantile epileptic encephalopathy 18. Identifiers: Orphanet 369894, MedGen C3809624, MONDO:0014201, OMIM 615476.

Allele frequency attached by ClinVar (database versions not stated): gnomAD 0.00086 and 0.00131; gnomAD exomes 0.00117 and 0.00319; TOPMed 0.00138; ExAC 0.00324; 1000 Genomes Project 30x 0.00593; 1000 Genomes Project 0.00619.
gnomAD v4.1: 2,099 of 1,614,094 alleles (0.13%); highest among the groups gnomAD compares: East Asian, 2.1%; 33 homozygotes.

Submissions (6):

Labcorp Genetics (formerly Invitae), Labcorp
Classification: Benign. Last evaluated: 2026-02-02. Review status: criteria provided, single submitter. Criteria: Invitae Variant Classification Sherloc (09022015). Collection method: clinical testing. Allele origin: germline.

Genome-Nilou Lab
Classification: Benign for Developmental and epileptic encephalopathy, 18. Last evaluated: 2023-04-11. Review status: criteria provided, single submitter. Criteria: ACMG Guidelines, 2015. Collection method: clinical testing. Allele origin: germline. Affected: no.

Mayo Clinic Laboratories, Mayo Clinic
Classification: Benign. Last evaluated: 2022-04-25. Review status: criteria provided, single submitter. Criteria: ACMG Guidelines, 2015. Collection method: clinical testing. Allele origin: germline. Observed: 2 variant alleles.
Comment: BS1, BS2, BP4, BP7

GeneDx
Classification: Likely benign. Last evaluated: 2021-01-20. Review status: criteria provided, single submitter. Criteria: GeneDx Variant Classification Process June 2021. Collection method: clinical testing. Allele origin: germline. Affected: yes.

Ambry Genetics
Classification: Likely benign for Inborn genetic diseases. Last evaluated: 2016-06-10. Review status: criteria provided, single submitter. Criteria: Ambry Variant Classification Scheme 2023. Collection method: clinical testing. Allele origin: germline.

PreventionGenetics, part of Exact Sciences
Classification: Benign for SZT2-related condition. Last evaluated: 2019-08-09. Review status: no assertion criteria provided. Collection method: clinical testing. Allele origin: germline. Not counted in ClinVar's aggregate classification.
Comment: This variant is classified as benign based on ACMG/AMP sequence variant interpretation guidelines (Richards et al. 2015 PMID: 25741868, with internal and published modifications).

NM_001365999.1(SZT2):c.8020T>C (p.Leu2674=)

Gene: SZT2 (SZT2 subunit of KICSTOR complex; plus strand). Cytogenetic location: 1p34.2.
Variant type: single nucleotide variant.
Coding change: c.8020T>C on transcript NM_001365999.1 (MANE Select); coding-DNA position 8020, T replaced by C.
Protein change: p.Leu2674=; no amino-acid change (leucine 2674 retained).
Molecular consequence: synonymous variant.
Genome position (GRCh38, 1-based): chr1:43,442,487, T>C. VCF-style: chr1-43442487-T-C. GRCh37 (hg19) VCF-style: chr1-43908158-T-C.
Other names: p.Leu2617=; c.7849T>C, p.Leu2617= (NM_015284.4).
Identifiers: ClinVar variation 416965 (VCV000416965.21), dbSNP rs187106999, ClinGen allele CA810430.